The following is an entry in ClinVar:

NM_000051.4(ATM):c.2832delinsTT (p.His945fs)

Gene: ATM (ATM serine/threonine kinase; plus strand). Cytogenetic location: 11q22.3.
Variant type: Indel.
Coding change: c.2832delinsTT on transcript NM_000051.4 (MANE Select); coding-DNA position 2832, G replaced by TT.
Protein change: p.His945fs; shifts the reading frame from histidine 945.
Molecular consequence: frameshift variant.
Genome position (GRCh38, 1-based): chr11:108,268,603, G replaced by TT. VCF-style: chr11-108268603-G-TT. GRCh37 (hg19) VCF-style: chr11-108139330-G-TT.
Other names: c.2832delinsTT, p.His945fs (NM_001351834.2); short protein forms H945fs.
Identifiers: ClinVar variation 1796604 (VCV001796604.2), dbSNP rs2497639782, ClinGen allele CA2580083185.
Genomic context (GRCh38, chr11:108,268,603, plus strand): 5'-GAGGAAATTGTTAATGTTAATTGATTCTAGCACGCTAGAACCTACCAAATCCCTCCACCT[G>TT]CATATGGTGAGTTACGTTAAATGAAGAAGCTCTTGGATTTTATCTGATGTTGCTGACTAA-3'

ClinVar aggregate classification (germline): Pathogenic (1 of 4 stars; one submission).

Conditions:
Hereditary cancer-predisposing syndrome. Also called: Tumor predisposition; Hereditary Cancer Syndrome; Neoplastic Syndromes, Hereditary; Hereditary neoplastic syndrome. Identifiers: Orphanet 140162, MedGen C0027672, MeSH D009386, MONDO:0015356.

Submission:

Ambry Genetics
Classification: Pathogenic for Hereditary cancer-predisposing syndrome. Last evaluated: 2022-05-05. Review status: criteria provided, single submitter. Criteria: Ambry Variant Classification Scheme 2023. Collection method: clinical testing. Allele origin: germline.
Comment: The c.2832delGinsTT pathogenic mutation, located in coding exon 17 of the ATM gene, results from the deletion of one nucleotide and insertion of two nucleotides causing a translational frameshift with a predicted alternate stop codon (p.H945Sfs*24). This variant is considered to be rare based on population cohorts in the Genome Aggregation Database (gnomAD). This alteration is expected to result in loss of function by premature protein truncation or nonsense-mediated mRNA decay. As such, this alteration is interpreted as a disease-causing mutation.